The following is an entry in ClinVar:

ClinVar aggregate classification (germline): Uncertain significance (1 of 4 stars; one submission).

Submission:

GeneDx
Classification: Uncertain significance. Last evaluated: 2024-05-13. Review status: criteria provided, single submitter. Criteria: GeneDx Variant Classification Process June 2021. Collection method: clinical testing. Allele origin: germline. Affected: yes.
Comment: Not observed at significant frequency in large population cohorts (gnomAD); In silico analysis indicates that this missense variant does not alter protein structure/function; Has not been previously published as pathogenic or benign to our knowledge

NM_000489.6(ATRX):c.5639G>A (p.Ser1880Asn)

Gene: ATRX (ATRX chromatin remodeler; minus strand). Cytogenetic location: Xq21.1.
Variant type: single nucleotide variant.
Coding change: c.5639G>A on transcript NM_000489.6 (MANE Select); coding-DNA position 5639, G replaced by A.
Protein change: p.Ser1880Asn; replaces serine 1880 with asparagine.
Molecular consequence: missense variant.
Genome position (GRCh38, 1-based): chrX:77,600,492, C>T on the plus strand (G>A on the coding strand, the complement: ATRX is on the minus strand). VCF-style: chrX-77600492-C-T. GRCh37 (hg19) VCF-style: chrX-76855961-C-T.
Other names: c.5525G>A, p.Ser1842Asn (NM_138270.5); short protein forms S1842N, S1880N.
Identifiers: ClinVar variation 3378344 (VCV003378344.1).